The following is an entry in ClinVar:

NM_001195.5(BFSP1):c.812T>C (p.Ile271Thr)

Gene: BFSP1 (beaded filament structural protein 1; minus strand). Cytogenetic location: 20p12.1.
Variant type: single nucleotide variant.
Coding change: c.812T>C on transcript NM_001195.5 (MANE Select); coding-DNA position 812, T replaced by C.
Protein change: p.Ile271Thr; replaces isoleucine 271 with threonine.
Molecular consequence: missense variant.
Genome position (GRCh38, 1-based): chr20:17,498,964, A>G on the plus strand (T>C on the coding strand, the complement: BFSP1 is on the minus strand). VCF-style: chr20-17498964-A-G. GRCh37 (hg19) VCF-style: chr20-17479609-A-G.
Other names: c.437T>C, p.Ile146Thr (NM_001161705.2); c.395T>C, p.Ile132Thr (NM_001278606.2, NM_001278608.2); c.479T>C, p.Ile160Thr (NM_001278607.2); short protein forms I271T, I132T, I146T, I160T.
Identifiers: ClinVar variation 242475 (VCV000242475.11), dbSNP rs147718368, ClinGen allele CA057949.

ClinVar aggregate classification (germline): Uncertain significance. Review status: criteria provided, multiple submitters, no conflicts (2 of 4 stars). 4 submissions from 4 submitters: Uncertain significance (3). 1 of the submissions does not count toward it. Last evaluated 2024-11-04.

Conditions:
BFSP1-related disorder. Also called: BFSP1-related condition.
Cataract 33. Also called: CATARACT 33, CORTICAL. Identifiers: Orphanet 91492, MedGen C3808107, MONDO:0012665, OMIM 611391.

Allele frequency attached by ClinVar (database versions not stated): ESP Exome Variant Server 0.00023; gnomAD 0.00025 and 0.00026; TOPMed 0.00028; gnomAD exomes 0.00029 and 0.00042; ExAC 0.00036; 1000 Genomes Project 0.00040; 1000 Genomes Project 30x 0.00047.
gnomAD v4.1: 478 of 1,614,132 alleles (0.03%); highest among the groups gnomAD compares: Middle Eastern, 0.36%; 2 homozygotes.

Submissions (4):

Blueprint Genetics
Classification: Uncertain significance. Last evaluated: 2024-11-04. Review status: criteria provided, single submitter. Criteria: ACMG Guidelines, 2015. Collection method: clinical testing. Allele origin: germline.

Labcorp Genetics (formerly Invitae), Labcorp
Classification: Uncertain significance for Cataract 33. Last evaluated: 2024-01-02. Review status: criteria provided, single submitter. Criteria: Invitae Variant Classification Sherloc (09022015). Collection method: clinical testing. Allele origin: germline.
Comment: This sequence change replaces isoleucine, which is neutral and non-polar, with threonine, which is neutral and polar, at codon 271 of the BFSP1 protein (p.Ile271Thr). This variant is present in population databases (rs147718368, gnomAD 0.5%). This missense change has been observed in individual(s) with congenital cataracts (PMID: 26694549). ClinVar contains an entry for this variant (Variation ID: 242475). Advanced modeling of protein sequence and biophysical properties (such as structural, functional, and spatial information, amino acid conservation, physicochemical variation, residue mobility, and thermodynamic stability) has been performed at Invitae for this missense variant, however the output from this modeling did not meet the statistical confidence thresholds required to predict the impact of this variant on BFSP1 protein function. In summary, the available evidence is currently insufficient to determine the role of this variant in disease. Therefore, it has been classified as a Variant of Uncertain Significance.

Breakthrough Genomics
Classification: Uncertain significance. Review status: criteria provided, single submitter. Criteria: ACMG Guidelines, 2015. Collection method: not provided. Allele origin: germline. Inheritance: Autosomal dominant inheritance. Affected: yes.

PreventionGenetics, part of Exact Sciences
Classification: Uncertain significance for BFSP1-related condition. Last evaluated: 2024-04-22. Review status: no assertion criteria provided. Collection method: clinical testing. Allele origin: germline. Not counted in ClinVar's aggregate classification.
Comment: The BFSP1 c.812T>C variant is predicted to result in the amino acid substitution p.Ile271Thr. This variant was reported in an individual with congenital cataracts who was found to also carry a frameshift variant in the same gene, however, the phase wasn’t fully determined (Ma et al. 2016. PubMed ID: 26694549). This variant is reported in 0.50% of alleles in individuals of Ashkenazi Jewish descent in gnomAD. At this time, the clinical significance of this variant is uncertain due to the absence of conclusive functional and genetic evidence.

Literature cited by the submitters: PubMed 26694549 (cited by Labcorp Genetics (formerly Invitae), Labcorp).